The following is an entry in ClinVar:

ClinVar aggregate classification (germline): Uncertain significance (1 of 4 stars; one submission).

Conditions:
Perlman syndrome (PRLMNS). Identifiers: Orphanet 2849, MedGen C0796113, MONDO:0009965, OMIM 267000.

Submission:

Labcorp Genetics (formerly Invitae), Labcorp
Classification: Uncertain significance for Perlman syndrome. Last evaluated: 2022-06-04. Review status: criteria provided, single submitter. Criteria: Invitae Variant Classification Sherloc (09022015). Collection method: clinical testing. Allele origin: germline.
Comment: This variant, c.475_477del, results in the deletion of 1 amino acid(s) of the DIS3L2 protein (p.Asn159del), but otherwise preserves the integrity of the reading frame. This variant is present in population databases (rs780282184, gnomAD 0.0009%). This variant has not been reported in the literature in individuals affected with DIS3L2-related conditions. ClinVar contains an entry for this variant (Variation ID: 1489756). Experimental studies and prediction algorithms are not available or were not evaluated, and the functional significance of this variant is currently unknown. In summary, the available evidence is currently insufficient to determine the role of this variant in disease. Therefore, it has been classified as a Variant of Uncertain Significance.

NM_152383.5(DIS3L2):c.475_477del (p.Asn159del)

Gene: DIS3L2 (DIS3 like 3'-5' exoribonuclease 2; plus strand). Cytogenetic location: 2q37.1.
Variant type: Deletion.
Coding change: c.475_477del on transcript NM_152383.5 (MANE Select); coding-DNA positions 475 to 477, 3 bases deleted (AAT; older notation c.475_477delAAT).
Protein change: p.Asn159del; deletes asparagine 159.
Molecular consequence: inframe deletion. On other transcripts: non-coding transcript variant (2).
Genome position (GRCh38, 1-based): chr2:232,087,595-232,087,597, AAT deleted; deleting any 3 consecutive bases within chr2:232,087,593-232,087,597 gives the same sequence; the c. name uses the placement nearest the transcript's 3' end. VCF-style (leftmost placement, unchanged base first): chr2-232087592-TATA-T. GRCh37 (hg19) VCF-style: chr2-232952302-TATA-T.
Other names: c.475_477del, p.Asn159del (NM_001257281.2, NM_001257282.2); short protein forms N159del.
Identifiers: ClinVar variation 1489756 (VCV001489756.6), dbSNP rs780282184, ClinGen allele CA2163832.